The following is an entry in ClinVar:

ClinVar aggregate classification (germline): Uncertain significance (1 of 4 stars; one submission).

Conditions:
Norman-Roberts syndrome (LIS2). Also called: Lissencephaly 2 (Norman-Roberts type). Identifiers: Orphanet 89844, MedGen C0796089, MONDO:0009760, OMIM 257320.
Familial temporal lobe epilepsy 7. Identifiers: Orphanet 101046, MedGen C4225327, MONDO:0014639, OMIM 616436.

gnomAD v4.1: 14 of 1,614,020 alleles (0.00087%); highest among the groups gnomAD compares: Non-Finnish European, 0.0012%; no homozygotes.

Submission:

Labcorp Genetics (formerly Invitae), Labcorp
Classification: Uncertain significance for Familial temporal lobe epilepsy 7; Norman-Roberts syndrome. Last evaluated: 2022-11-29. Review status: criteria provided, single submitter. Criteria: Invitae Variant Classification Sherloc (09022015). Collection method: clinical testing. Allele origin: germline.
Comment: In summary, the available evidence is currently insufficient to determine the role of this variant in disease. Therefore, it has been classified as a Variant of Uncertain Significance. Advanced modeling of protein sequence and biophysical properties (such as structural, functional, and spatial information, amino acid conservation, physicochemical variation, residue mobility, and thermodynamic stability) performed at Invitae indicates that this missense variant is not expected to disrupt RELN protein function. ClinVar contains an entry for this variant (Variation ID: 1496011). This variant has not been reported in the literature in individuals affected with RELN-related conditions. This variant is not present in population databases (gnomAD no frequency). This sequence change replaces alanine, which is neutral and non-polar, with threonine, which is neutral and polar, at codon 787 of the RELN protein (p.Ala787Thr).

NM_005045.4(RELN):c.2359G>A (p.Ala787Thr)

Gene: RELN (reelin; minus strand). Cytogenetic location: 7q22.1.
Variant type: single nucleotide variant.
Coding change: c.2359G>A on transcript NM_005045.4 (MANE Select); coding-DNA position 2359, G replaced by A.
Protein change: p.Ala787Thr; replaces alanine 787 with threonine.
Molecular consequence: missense variant.
Genome position (GRCh38, 1-based): chr7:103,635,531, C>T on the plus strand (G>A on the coding strand, the complement: RELN is on the minus strand). VCF-style: chr7-103635531-C-T. GRCh37 (hg19) VCF-style: chr7-103275978-C-T.
Other names: c.2359G>A, p.Ala787Thr (NM_173054.3); short protein forms A787T.
Identifiers: ClinVar variation 1496011 (VCV001496011.6), dbSNP rs1254113534, ClinGen allele CA368760170.